The following is an entry in ClinVar:

NM_001042492.3(NF1):c.1527+1del

Gene: NF1 (neurofibromin 1; plus strand). Cytogenetic location: 17q11.2.
Variant type: Deletion.
Coding change: c.1527+1del on transcript NM_001042492.3 (MANE Select); the canonical splice donor site of the intron after coding-DNA position 1527, one base deleted (G; older notation c.1527+1delG).
Molecular consequence: splice donor variant.
Genome position (GRCh38, 1-based): chr17:31,214,586, G deleted. VCF-style (leftmost placement, unchanged base first): chr17-31214585-TG-T. GRCh37 (hg19) VCF-style: chr17-29541603-TG-T.
Other names: c.1527+1delG (NM_000267.3); c.1527+1del (NM_000267.4, NM_001128147.3).
Identifiers: ClinVar variation 1451784 (VCV001451784.9), dbSNP rs2143960866, ClinGen allele CA2573153650.

ClinVar aggregate classification (germline): Pathogenic. Review status: criteria provided, multiple submitters, no conflicts (2 of 4 stars). 2 submissions from 2 submitters: Pathogenic (2). Last evaluated 2023-03-09.

Conditions:
Hereditary cancer-predisposing syndrome. Also called: Tumor predisposition; Hereditary neoplastic syndrome; Hereditary Cancer Syndrome; Neoplastic Syndromes, Hereditary. Identifiers: Orphanet 140162, MedGen C0027672, MeSH D009386, MONDO:0015356.
Cardiovascular phenotype. Identifiers: MedGen CN230736.
Neurofibromatosis, type 1 (NF1). Also called: NEUROFIBROMATOSIS, TYPE I, SOMATIC; VON RECKLINGHAUSEN DISEASE; Peripheral type neurofibromatosis; Neurofibromatosis, type I. Identifiers: Orphanet 636, MedGen C0027831, MONDO:0018975, OMIM 162200. Disease mechanism: loss of function.

Submissions (2):

Ambry Genetics
Classification: Pathogenic for Cardiovascular phenotype; Hereditary cancer-predisposing syndrome. Last evaluated: 2023-03-09. Review status: criteria provided, single submitter. Criteria: Ambry Variant Classification Scheme 2023. Collection method: clinical testing. Allele origin: germline.
Comment: The c.1527+1delG intronic variant, located in intron 13 of the NF1 gene, results from a deletion of one nucleotide within intron 13 of the NF1 gene. This nucleotide position is highly conserved in available vertebrate species. In silico splice site analysis predicts that this alteration will weaken the native splice donor site and will result in the creation or strengthening of a novel splice donor site. RNA studies have demonstrated that this alteration results in abnormal splicing in the set of samples tested (Ambry internal data). Other alterations impacting the same donor site (c.1527+1G>A and c.1527+2dupT) have been shown to have a similar impact on splicing and/or detected in individuals with a clinical diagnosis or suspicion of NF1 (Pros E et al. Hum. Mutat., 2008 Sep;29:E173-93; Pasmant E et al. Eur J Hum Genet, 2015 May;23:596-601; Zhang J et al. Sci Rep, 2015 Jun;5:11291; Ambry internal data). Based on the supporting evidence, this alteration is interpreted as a disease-causing mutation.

Labcorp Genetics (formerly Invitae), Labcorp
Classification: Pathogenic for Neurofibromatosis, type 1. Last evaluated: 2022-07-12. Review status: criteria provided, single submitter. Criteria: Invitae Variant Classification Sherloc (09022015). Collection method: clinical testing. Allele origin: germline.
Comment: Disruption of this splice site has been observed in individual(s) with neurofibromatosis type 1 (PMID: 10712197). ClinVar contains an entry for this variant (Variation ID: 1451784). Algorithms developed to predict the effect of sequence changes on RNA splicing suggest that this variant may disrupt the consensus splice site. For these reasons, this variant has been classified as Pathogenic. This variant is not present in population databases (gnomAD no frequency). This sequence change affects a splice site in intron 13 of the NF1 gene. It is expected to disrupt RNA splicing. Variants that disrupt the donor or acceptor splice site typically lead to a loss of protein function (PMID: 16199547), and loss-of-function variants in NF1 are known to be pathogenic (PMID: 10712197, 23913538).

Literature cited by the submitters: PubMed 10712197 (cited by Labcorp Genetics (formerly Invitae), Labcorp); PubMed 16199547 (cited by Labcorp Genetics (formerly Invitae), Labcorp); PubMed 23913538 (cited by Labcorp Genetics (formerly Invitae), Labcorp).